The following is an entry in ClinVar:

ClinVar aggregate classification (germline): Uncertain significance (1 of 4 stars; one submission).

Submission:

Labcorp Genetics (formerly Invitae), Labcorp
Classification: Uncertain significance. Last evaluated: 2024-03-27. Review status: criteria provided, single submitter. Criteria: Invitae Variant Classification Sherloc (09022015). Collection method: clinical testing. Allele origin: germline.
Comment: This sequence change replaces leucine, which is neutral and non-polar, with phenylalanine, which is neutral and non-polar, at codon 459 of the ZSWIM6 protein (p.Leu459Phe). This variant is not present in population databases (gnomAD no frequency). This variant has not been reported in the literature in individuals affected with ZSWIM6-related conditions. Advanced modeling of protein sequence and biophysical properties (such as structural, functional, and spatial information, amino acid conservation, physicochemical variation, residue mobility, and thermodynamic stability) performed at Invitae indicates that this missense variant is not expected to disrupt ZSWIM6 protein function with a negative predictive value of 80%. In summary, the available evidence is currently insufficient to determine the role of this variant in disease. Therefore, it has been classified as a Variant of Uncertain Significance.

NM_020928.2(ZSWIM6):c.1377G>T (p.Leu459Phe)

Gene: ZSWIM6 (zinc finger SWIM-type containing 6; plus strand). Cytogenetic location: 5q12.1.
Variant type: single nucleotide variant.
Coding change: c.1377G>T on transcript NM_020928.2 (MANE Select); coding-DNA position 1377, G replaced by T.
Protein change: p.Leu459Phe; replaces leucine 459 with phenylalanine.
Molecular consequence: missense variant.
Genome position (GRCh38, 1-based): chr5:61,521,306, G>T. VCF-style: chr5-61521306-G-T. GRCh37 (hg19) VCF-style: chr5-60817133-G-T.
Other names: short protein forms L459F.
Identifiers: ClinVar variation 3647793 (VCV003647793.2).